The following is an entry in ClinVar:

NM_000925.4(PDHB):c.1050A>G (p.Ile350Met)

Gene: PDHB (pyruvate dehydrogenase E1 subunit beta; minus strand). Cytogenetic location: 3p14.3.
Variant type: single nucleotide variant.
Coding change: c.1050A>G on transcript NM_000925.4 (MANE Select); coding-DNA position 1050, A replaced by G.
Protein change: p.Ile350Met; replaces isoleucine 350 with methionine.
Molecular consequence: missense variant. On other transcripts: non-coding transcript variant (1).
Genome position (GRCh38, 1-based): chr3:58,428,064, T>C on the plus strand (A>G on the coding strand, the complement: PDHB is on the minus strand). VCF-style: chr3-58428064-T-C. GRCh37 (hg19) VCF-style: chr3-58413791-T-C.
Other names: c.996A>G, p.Ile332Met (NM_001173468.2, NM_001315536.2); c.1050A>G (NM_000925.3); short protein forms I332M, I350M.
Identifiers: ClinVar variation 2184557 (VCV002184557.2), dbSNP rs1641509410, ClinGen allele CA353356632.
Genomic context (GRCh38, chr3:58,428,064, plus strand): 5'-AATTTCAACGACTTGATATTCAAGTCCAAACTAAATATTTAATGTTTTCTTTATTGCAAA[T>C]ATGATGTCTTTGACCTGAGGTATAGAGTTGTCCTCTAGAATCTTTGCATAAGGCATAGGG-3'
Protein context (NP_000916.2, residues 340-359): DNSIPQVKDI[Ile350Met]FAIKKTLNI

ClinVar aggregate classification (germline): Uncertain significance. Review status: criteria provided, single submitter (1 of 4 stars). 2 submissions from 2 submitters: Uncertain significance (1). 1 of the submissions does not count toward it. Last evaluated 2022-04-28.

Conditions:
Pyruvate dehydrogenase E1-beta deficiency (PDHBD). Identifiers: Orphanet 255138, Orphanet 765, MedGen C3279841, MONDO:0013580, OMIM 614111.
Pyruvate dehydrogenase phosphatase deficiency (PDHPD). Also called: LACTIC ACIDEMIA WITH PYRUVATE DEHYDROGENASE PHOSPHATASE DEFICIENCY. Identifiers: Orphanet 79246, MedGen C1837429, MONDO:0012120, OMIM 608782.

Allele frequency attached by ClinVar (database versions not stated): gnomAD exomes below 0.00001; TOPMed below 0.00001.
gnomAD v4.1: 1 of 1,609,074 alleles (0.000062%); highest among the groups gnomAD compares: Admixed American, 0.0017%; no homozygotes.

Submissions (2):

Labcorp Genetics (formerly Invitae), Labcorp
Classification: Uncertain significance for Pyruvate dehydrogenase E1-beta deficiency. Last evaluated: 2022-04-28. Review status: criteria provided, single submitter. Criteria: Invitae Variant Classification Sherloc (09022015). Collection method: clinical testing. Allele origin: germline.
Comment: This sequence change replaces isoleucine, which is neutral and non-polar, with methionine, which is neutral and non-polar, at codon 350 of the PDHB protein (p.Ile350Met). This variant is not present in population databases (gnomAD no frequency). This variant has not been reported in the literature in individuals affected with PDHB-related conditions. Algorithms developed to predict the effect of missense changes on protein structure and function are either unavailable or do not agree on the potential impact of this missense change (SIFT: "Deleterious"; PolyPhen-2: "Possibly Damaging"; Align-GVGD: "Class C0"). In summary, the available evidence is currently insufficient to determine the role of this variant in disease. Therefore, it has been classified as a Variant of Uncertain Significance.

Natera, Inc.
Classification: Uncertain significance for Pyruvate dehydrogenase phosphatase deficiency. Last evaluated: 2025-03-24. Review status: no assertion criteria provided. Collection method: clinical testing. Allele origin: germline. Not counted in ClinVar's aggregate classification.